The following is an entry in ClinVar:

ClinVar aggregate classification (germline): Uncertain significance (1 of 4 stars; one submission).

Conditions:
Hiatt-Neu-Cooper neurodevelopmental syndrome. Identifiers: MedGen C5543338, MONDO:0859142, OMIM 619311.

Submission:

3billion
Classification: Uncertain significance for Hiatt-Neu-Cooper neurodevelopmental syndrome. Last evaluated: 2024-02-05. Review status: criteria provided, single submitter. Criteria: ACMG Guidelines, 2015. Collection method: clinical testing. Allele origin: germline. Affected: yes.
Comment: The variant is not observed in the gnomAD v2.1.1 dataset. Predicted Consequence/Location: Missense changes are a common disease-causing mechanism. In silico tool predictions suggest damaging effect of the variant on gene or gene product [REVEL: 0.87 (>=0.6, sensitivity 0.68 and specificity 0.92)]. Therefore, this variant is classified as VUS according to the recommendation of ACMG/AMP guideline.

NM_005402.4(RALA):c.379A>C (p.Asn127His)

Gene: RALA (RAS like proto-oncogene A; plus strand). Cytogenetic location: 7p14.1.
Variant type: single nucleotide variant.
Coding change: c.379A>C on transcript NM_005402.4 (MANE Select); coding-DNA position 379, A replaced by C.
Protein change: p.Asn127His; replaces asparagine 127 with histidine.
Molecular consequence: missense variant.
Genome position (GRCh38, 1-based): chr7:39,696,740, A>C. VCF-style: chr7-39696740-A-C. GRCh37 (hg19) VCF-style: chr7-39736339-A-C.
Other names: short protein forms N127H.
Identifiers: ClinVar variation 3775793 (VCV003775793.1).